The following is an entry in ClinVar:

NM_004281.4(BAG3):c.1541A>G (p.Asn514Ser)

Gene: BAG3 (BAG cochaperone 3; plus strand). Cytogenetic location: 10q26.11.
Variant type: single nucleotide variant.
Coding change: c.1541A>G on transcript NM_004281.4 (MANE Select); coding-DNA position 1541, A replaced by G.
Protein change: p.Asn514Ser; replaces asparagine 514 with serine.
Molecular consequence: missense variant.
Genome position (GRCh38, 1-based): chr10:119,677,095, A>G. VCF-style: chr10-119677095-A-G. GRCh37 (hg19) VCF-style: chr10-121436607-A-G.
Other names: short protein forms N514S.
Identifiers: ClinVar variation 573780 (VCV000573780.12), dbSNP rs1564776999, ClinGen allele CA378297549.

ClinVar aggregate classification (germline): Conflicting classifications of pathogenicity. Review status: criteria provided, conflicting classifications (1 of 4 stars). 3 submissions from 3 submitters: Uncertain significance (2); Likely benign (1). Last evaluated 2022-04-23.

Conditions:
Cardiovascular phenotype. Identifiers: MedGen CN230736.
Myofibrillar myopathy 6. Identifiers: Orphanet 199340, MedGen C2751831, MONDO:0013061, OMIM 612954.
Dilated cardiomyopathy 1HH (CMD1HH). Identifiers: Orphanet 154, MedGen C3151293, MONDO:0013479, OMIM 613881.

Submissions (3):

Ambry Genetics
Classification: Likely benign for Cardiovascular phenotype. Last evaluated: 2022-04-23. Review status: criteria provided, single submitter. Criteria: Ambry Variant Classification Scheme 2023. Collection method: clinical testing. Allele origin: germline.

GeneDx
Classification: Uncertain significance. Last evaluated: 2019-03-27. Review status: criteria provided, single submitter. Criteria: GeneDx Variant Classification Process June 2021. Collection method: clinical testing. Allele origin: germline. Affected: yes.
Comment: Not observed in large population cohorts (Lek et al., 2016); In silico analysis, which includes protein predictors and evolutionary conservation, supports that this variant does not alter protein structure/function; Has not been previously published as pathogenic or benign to our knowledge; Reported in ClinVar but additional evidence is not available (ClinVar Variant ID# 573780; Landrum et al., 2016)

Labcorp Genetics (formerly Invitae), Labcorp
Classification: Uncertain significance for Dilated cardiomyopathy 1HH; Myofibrillar myopathy 6. Last evaluated: 2018-06-21. Review status: criteria provided, single submitter. Criteria: Invitae Variant Classification Sherloc (09022015). Collection method: clinical testing. Allele origin: germline.
Comment: In summary, the available evidence is currently insufficient to determine the role of this variant in disease. Therefore, it has been classified as a Variant of Uncertain Significance. Algorithms developed to predict the effect of missense changes on protein structure and function output the following: SIFT: "Tolerated"; PolyPhen-2: "Not Available"; Align-GVGD: "Class C0". The serine amino acid residue is found in multiple mammalian species, suggesting that this missense change does not adversely affect protein function. These predictions have not been confirmed by published functional studies and their clinical significance is uncertain. This variant has not been reported in the literature in individuals with BAG3-related disease. This variant is not present in population databases (ExAC no frequency). This sequence change replaces asparagine with serine at codon 514 of the BAG3 protein (p.Asn514Ser). The asparagine residue is weakly conserved and there is a small physicochemical difference between asparagine and serine.